The following is an entry in ClinVar:

ClinVar aggregate classification (germline): Uncertain significance (1 of 4 stars; one submission).

Conditions:
Congenital hypothyroidism. Identifiers: Orphanet 442, MedGen C0010308, MONDO:0018612, HP:0000851.

gnomAD v4.1: 10 of 1,611,618 alleles (0.00062%); highest among the groups gnomAD compares: Middle Eastern, 0.019%; no homozygotes.

Submission:

Cambridge Genomics Laboratory, East Genomic Laboratory Hub, NHS Genomic Medicine Service
Classification: Uncertain significance for Congenital hypothyroidism. Last evaluated: 2026-07-07. Review status: criteria provided, single submitter. Criteria: ACGS Best Practice Guidelines for Variant Classification in Rare Disease 2020. Collection method: clinical testing. Allele origin: germline. Affected: yes.
Comment: PM2,BP4

NM_003235.5(TG):c.2735G>A (p.Arg912Gln)

Gene: TG (thyroglobulin; plus strand). Cytogenetic location: 8q24.22.
Variant type: single nucleotide variant.
Coding change: c.2735G>A on transcript NM_003235.5 (MANE Select); coding-DNA position 2735, G replaced by A.
Protein change: p.Arg912Gln; replaces arginine 912 with glutamine.
Molecular consequence: missense variant.
Genome position (GRCh38, 1-based): chr8:132,888,542, G>A. VCF-style: chr8-132888542-G-A. GRCh37 (hg19) VCF-style: chr8-133900787-G-A.
Other names: short protein forms R912Q.
Identifiers: ClinVar variation 4876250 (VCV004876250.1).